The following is an entry in ClinVar:

ClinVar aggregate classification (germline): Likely benign. Review status: criteria provided, single submitter (1 of 4 stars). 2 submissions from 2 submitters: Likely benign (1). 1 of the submissions does not count toward it. Last evaluated 2025-08-26.

Conditions:
NTRK1-related disorder. Also called: NTRK1-related condition.
Hereditary insensitivity to pain with anhidrosis (CIPA). Also called: hereditary sensory and autonomic neuropathy type 4; INSENSITIVITY TO PAIN, CONGENITAL, WITH ANHIDROSIS; FAMILIAL DYSAUTONOMIA, TYPE II; HSAN Type IV; NEUROPATHY, CONGENITAL SENSORY, WITH ANHIDROSIS; NTRK1 Congenital Insensitivity to Pain with Anhidrosis. Identifiers: Orphanet 642, MedGen C0020074, MONDO:0009746, OMIM 256800.

Allele frequency attached by ClinVar (database versions not stated): gnomAD exomes below 0.00001; gnomAD 0.00001; TOPMed 0.00001.
gnomAD v4.1: 4 of 1,611,574 alleles (0.00025%); highest among the groups gnomAD compares: Non-Finnish European, 0.00034%; no homozygotes.

Submissions (2):

Labcorp Genetics (formerly Invitae), Labcorp
Classification: Likely benign for Hereditary insensitivity to pain with anhidrosis. Last evaluated: 2025-08-26. Review status: criteria provided, single submitter. Criteria: Invitae Variant Classification Sherloc (09022015). Collection method: clinical testing. Allele origin: germline.

PreventionGenetics, part of Exact Sciences
Classification: Likely benign for NTRK1-related condition. Last evaluated: 2022-04-19. Review status: no assertion criteria provided. Collection method: clinical testing. Allele origin: germline. Not counted in ClinVar's aggregate classification.
Comment: This variant is classified as likely benign based on ACMG/AMP sequence variant interpretation guidelines (Richards et al. 2015 PMID: 25741868, with internal and published modifications).

NM_002529.4(NTRK1):c.2316C>T (p.His772=)

Gene: NTRK1 (neurotrophic receptor tyrosine kinase 1; plus strand). Cytogenetic location: 1q23.1.
Variant type: single nucleotide variant.
Coding change: c.2316C>T on transcript NM_002529.4 (MANE Select); coding-DNA position 2316, C replaced by T.
Protein change: p.His772=; no amino-acid change (histidine 772 retained).
Molecular consequence: synonymous variant.
Genome position (GRCh38, 1-based): chr1:156,881,567, C>T. VCF-style: chr1-156881567-C-T. GRCh37 (hg19) VCF-style: chr1-156851359-C-T.
Other names: c.2316C>T (NM_002529.3); c.2208C>T, p.His736= (NM_001007792.1); c.2298C>T, p.His766= (NM_001012331.2).
Identifiers: ClinVar variation 1087119 (VCV001087119.11), dbSNP rs1026758633, ClinGen allele CA31126188.
Genomic context (GRCh38, chr1:156,881,567, plus strand): 5'-CCCACCAGAGGTCTACGCCATCATGCGGGGCTGCTGGCAGCGGGAGCCCCAGCAACGCCA[C>T]AGCATCAAGGATGTGCACGCCCGGCTGCAAGCCCTGGCCCAGGCACCTCCTGTCTACCTG-3'
Protein context (NP_002520.2, residues 762-782): GCWQREPQQR[His772=]SIKDVHARLQ